The following is an entry in ClinVar:

ClinVar aggregate classification (germline): Benign/Likely benign. Review status: criteria provided, multiple submitters, no conflicts (2 of 4 stars). 6 submissions from 6 submitters: Benign (4); Likely benign (1). 1 of the submissions does not count toward it. Last evaluated 2026-02-02.

Conditions:
Autosomal recessive osteopetrosis 1. Also called: TCIRG1-Related Autosomal Recessive Osteopetrosis; ALBERS-SCHONBERG DISEASE, AUTOSOMAL RECESSIVE; TCIRG1-Related Osteopetrosis. Identifiers: Orphanet 667, MedGen C1850127, MONDO:0009815, OMIM 259700.

Allele frequency attached by ClinVar (database versions not stated): gnomAD exomes 0.00049 and 0.00093; ExAC 0.00094; gnomAD 0.00432 and 0.00448; TOPMed 0.00488; 1000 Genomes Project 30x 0.00515; 1000 Genomes Project 0.00559.
gnomAD v4.1: 1,377 of 1,546,186 alleles (0.089%); highest among the groups gnomAD compares: African/African-American, 1.5%; 9 homozygotes.

Submissions (6):

Labcorp Genetics (formerly Invitae), Labcorp
Classification: Benign. Last evaluated: 2026-02-02. Review status: criteria provided, single submitter. Criteria: Invitae Variant Classification Sherloc (09022015). Collection method: clinical testing. Allele origin: germline.

Blueprint Genetics
Classification: Likely benign. Last evaluated: 2024-06-27. Review status: criteria provided, single submitter. Criteria: ACMG Guidelines, 2015. Collection method: clinical testing. Allele origin: germline.

Illumina Laboratory Services, Illumina
Classification: Benign for Autosomal recessive osteopetrosis 1. Last evaluated: 2018-01-13. Review status: criteria provided, single submitter. Criteria: ICSL Variant Classification Criteria 13 December 2019. Collection method: clinical testing. Allele origin: germline.
Comment: This variant was observed in the ICSL laboratory as part of a predisposition screen in an ostensibly healthy population. It had not been previously curated by ICSL or reported in the Human Gene Mutation Database (HGMD: prior to June 1st, 2018), and was therefore a candidate for classification through an automated scoring system. Utilizing variant allele frequency, disease prevalence and penetrance estimates, and inheritance mode, an automated score was calculated to assess if this variant is too frequent to cause the disease. Based on the score and internal cut-off values, a variant classified as benign is not then subjected to further curation. The score for this variant resulted in a classification of benign for this disease.

Eurofins Ntd Llc (ga)
Classification: Benign. Last evaluated: 2015-06-01. Review status: criteria provided, single submitter. Criteria: EGL Classification Definitions 2015. Collection method: clinical testing. Allele origin: germline. Observed: 1 variant allele, 1 heterozygote.

Breakthrough Genomics
Classification: Benign. Review status: criteria provided, single submitter. Criteria: ACMG Guidelines, 2015. Collection method: not provided. Allele origin: germline. Inheritance: Autosomal recessive inheritance. Affected: yes.

Natera, Inc.
Classification: Benign for Infantile malignant osteopetrosis. Last evaluated: 2020-04-15. Review status: no assertion criteria provided. Collection method: clinical testing. Allele origin: germline. Not counted in ClinVar's aggregate classification.

NM_006019.4(TCIRG1):c.247A>G (p.Lys83Glu)

Gene: TCIRG1 (T cell immune regulator 1, ATPase H+ transporting V0 subunit a3; plus strand). Cytogenetic location: 11q13.2.
Variant type: single nucleotide variant.
Coding change: c.247A>G on transcript NM_006019.4 (MANE Select); coding-DNA position 247, A replaced by G.
Protein change: p.Lys83Glu; replaces lysine 83 with glutamic acid.
Molecular consequence: missense variant. On other transcripts: 5 prime UTR variant (1).
Genome position (GRCh38, 1-based): chr11:68,042,693, A>G. VCF-style: chr11-68042693-A-G. GRCh37 (hg19) VCF-style: chr11-67810160-A-G.
Other names: c.-1003A>G (NM_001351059.2); short protein forms K83E.
Identifiers: ClinVar variation 197266 (VCV000197266.22), dbSNP rs142855299, ClinGen allele CA202788.
Genomic context (GRCh38, chr11:68,042,693, plus strand): 5'-CTGCGCCCAGCCTTCCTGCAGGAGGAGGTGCGGCGGGCTGGGCTGGTCCTGCCCCCGCCA[A>G]AGGGGAGGCTGCCGGCACCCCCACCCCGGGACCTGCTGCGCATCCAGGAGGAGACGGAGC-3'
Protein context (NP_006010.2, residues 73-93): RRAGLVLPPP[Lys83Glu]GRLPAPPPRD